The following is an entry in ClinVar:

NM_001243133.2(NLRP3):c.2244C>G (p.Asp748Glu)

Gene: NLRP3 (NLR family pyrin domain containing 3; plus strand). Cytogenetic location: 1q44.
Variant type: single nucleotide variant.
Coding change: c.2244C>G on transcript NM_001243133.2 (MANE Select); coding-DNA position 2244, C replaced by G.
Protein change: p.Asp748Glu; replaces aspartic acid 748 with glutamic acid.
Molecular consequence: missense variant. On other transcripts: intron variant (2).
Genome position (GRCh38, 1-based): chr1:247,429,678, C>G. VCF-style: chr1-247429678-C-G. GRCh37 (hg19) VCF-style: chr1-247592980-C-G.
Other names: c.2244C>G, p.Asp748Glu (NM_001079821.3, NM_001127461.3); c.2250C>G, p.Asp750Glu (NM_004895.5); c.2150+4079C>G (NM_001127462.3, NM_183395.3); short protein forms D748E, D750E.
Identifiers: ClinVar variation 953975 (VCV000953975.12), dbSNP rs780246397, ClinGen allele CA1495159.

ClinVar aggregate classification (germline): Uncertain significance. Review status: criteria provided, multiple submitters, no conflicts (2 of 4 stars). 2 submissions from 2 submitters: Uncertain significance (2). Last evaluated 2025-07-06.

Conditions:
Chronic infantile neurological, cutaneous and articular syndrome (CINCA). Also called: CINCA syndrome; CHRONIC NEUROLOGIC CUTANEOUS AND ARTICULAR SYNDROME; Prieur Griscelli syndrome; CRYOPYRIN-ASSOCIATED PERIODIC SYNDROME 3. Identifiers: Orphanet 1451, MedGen C0409818, MONDO:0011776, OMIM 607115.
Familial amyloid nephropathy with urticaria AND deafness (MWS). Also called: UDA SYNDROME; URTICARIA-DEAFNESS-AMYLOIDOSIS SYNDROME; MUCKLE-WELLS SYNDROME; Urticaria, deafness and amyloidosis; CRYOPYRIN-ASSOCIATED PERIODIC SYNDROME 2. Identifiers: Orphanet 575, MedGen C0268390, MONDO:0008633, OMIM 191900.
Familial cold autoinflammatory syndrome 1 (FCAS1). Also called: CRYOPYRIN-ASSOCIATED PERIODIC SYNDROME 1; Familial cold inflammatory syndrome 1. Identifiers: Orphanet 47045, MedGen C4551895, MONDO:0007349, OMIM 120100.
Keratitis fugax hereditaria. Also called: KERATOENDOTHELIITIS FUGAX HEREDITARIA. Identifiers: Orphanet 647815, MedGen C1835697, MONDO:0007849, OMIM 148200.
Hearing loss, autosomal dominant 34, with or without inflammation. Also called: DEAFNESS, AUTOSOMAL DOMINANT 34, WITH OR WITHOUT INFLAMMATION. Identifiers: MedGen C4521680, MONDO:0033261, OMIM 617772.
Cryopyrin associated periodic syndrome (CAPS). Identifiers: Orphanet 208650, MedGen C2316212, MONDO:0016168.

Allele frequency attached by ClinVar (database versions not stated): gnomAD 0.00001; TOPMed 0.00001; ExAC 0.00002; gnomAD exomes 0.00003.
gnomAD v4.1: 15 of 1,614,018 alleles (0.00093%); highest among the groups gnomAD compares: East Asian, 0.022%; no homozygotes.

Submissions (2):

Labcorp Genetics (formerly Invitae), Labcorp
Classification: Uncertain significance for Cryopyrin associated periodic syndrome. Last evaluated: 2025-07-06. Review status: criteria provided, single submitter. Criteria: Invitae Variant Classification Sherloc (09022015). Collection method: clinical testing. Allele origin: germline.
Comment: This sequence change replaces aspartic acid, which is acidic and polar, with glutamic acid, which is acidic and polar, at codon 750 of the NLRP3 protein (p.Asp750Glu). This variant is present in population databases (rs780246397, gnomAD 0.04%). This variant has not been reported in the literature in individuals affected with NLRP3-related conditions. ClinVar contains an entry for this variant (Variation ID: 953975). Invitae Evidence Modeling of protein sequence and biophysical properties (such as structural, functional, and spatial information, amino acid conservation, physicochemical variation, residue mobility, and thermodynamic stability) has been performed for this missense variant. However, the output from this modeling did not meet the statistical confidence thresholds required to predict the impact of this variant on NLRP3 protein function. In summary, the available evidence is currently insufficient to determine the role of this variant in disease. Therefore, it has been classified as a Variant of Uncertain Significance.

Fulgent Genetics
Classification: Uncertain significance for Familial cold autoinflammatory syndrome 1; Keratitis fugax hereditaria; Familial amyloid nephropathy with urticaria AND deafness; Chronic infantile neurological, cutaneous and articular syndrome; Hearing loss, autosomal dominant 34, with or without inflammation. Last evaluated: 2024-05-31. Review status: criteria provided, single submitter. Criteria: ACMG Guidelines, 2015. Collection method: clinical testing. Allele origin: germline.